The following is an entry in ClinVar:

NM_001005273.3(CHD3):c.4034del (p.Lys1345fs)

Gene: CHD3 (chromodomain helicase DNA binding protein 3; plus strand). Cytogenetic location: 17p13.1.
Variant type: Deletion.
Coding change: c.4034del on transcript NM_001005273.3 (MANE Select); coding-DNA position 4034, one base deleted (A; older notation c.4034delA).
Protein change: p.Lys1345fs; shifts the reading frame from lysine 1345.
Molecular consequence: frameshift variant.
Genome position (GRCh38, 1-based): chr17:7,904,581, A deleted; the last of 2 consecutive A bases (chr17:7,904,580-7,904,581); deleting either gives the same sequence. VCF-style (leftmost placement, unchanged base first): chr17-7904579-CA-C. GRCh37 (hg19) VCF-style: chr17-7807897-CA-C.
Other names: c.4211del, p.Lys1404fs (NM_001005271.3); c.4034del, p.Lys1345fs (NM_005852.4); short protein forms K1345fs, K1404fs.
Identifiers: ClinVar variation 2635258 (VCV002635258.2), dbSNP rs2545032347, ClinGen allele CA2695201239.

ClinVar aggregate classification (germline): Likely pathogenic (0 of 4 stars; one submission).

Conditions:
CHD3-related disorder. Also called: CHD3-related condition.

Submission:

PreventionGenetics, part of Exact Sciences
Classification: Likely pathogenic for CHD3-related condition. Last evaluated: 2024-06-20. Review status: no assertion criteria provided. Collection method: clinical testing. Allele origin: germline.
Comment: The CHD3 c.4211delA variant is predicted to result in a frameshift and premature protein termination (p.Lys1404Serfs*80). To our knowledge, this variant has not been reported in the literature or in a large population database, indicating this variant is rare. Frameshift variants in CHD3 are expected to be pathogenic. This variant is interpreted as likely pathogenic.